The following is an entry in ClinVar:

ClinVar aggregate classification (germline): Pathogenic/Likely pathogenic. Review status: criteria provided, multiple submitters, no conflicts (2 of 4 stars). 5 submissions from 5 submitters: Pathogenic (2); Likely pathogenic (3). Last evaluated 2026-01-31.

Conditions:
ERCC2-related disorder. Also called: ERCC2-related disorders; ERCC2-related conditions; ERCC2-related condition. Identifiers: MedGen CN239291.
Xeroderma pigmentosum, group D (XPD). Also called: ERCC2-Related Xeroderma Pigmentosum; XERODERMA PIGMENTOSUM, COMPLEMENTATION GROUP D; XERODERMA PIGMENTOSUM IV; XP, GROUP D; XP, GROUP H. Identifiers: MedGen C0268138, MONDO:0010212, OMIM 278730.
Cerebrooculofacioskeletal syndrome 2 (COFS2). Identifiers: MedGen C1853102, MONDO:0012553, OMIM 610756.
Xeroderma pigmentosum (XP). Identifiers: Orphanet 910, MedGen C0043346, MONDO:0019600.

Allele frequency attached by ClinVar (database versions not stated): ExAC 0.00001; gnomAD 0.00001; gnomAD exomes 0.00001; TOPMed 0.00002.

Submissions (5):

Labcorp Genetics (formerly Invitae), Labcorp
Classification: Pathogenic. Last evaluated: 2026-01-31. Review status: criteria provided, single submitter. Criteria: Invitae Variant Classification Sherloc (09022015). Collection method: clinical testing. Allele origin: germline.
Comment: This sequence change affects an acceptor splice site in intron 9 of the ERCC2 gene. It is expected to disrupt RNA splicing. Variants that disrupt the donor or acceptor splice site typically lead to a loss of protein function (PMID: 16199547), and loss-of-function variants in ERCC2 are known to be pathogenic (PMID: 9238033, 11335038, 19085937, 19934020). This variant is present in population databases (rs746795177, gnomAD 0.01%). Disruption of this splice site has been observed in individuals with xeroderma pigmentosum (PMID: 26884178). ClinVar contains an entry for this variant (Variation ID: 631814). Algorithms developed to predict the effect of sequence changes on RNA splicing suggest that this variant may disrupt the consensus splice site. For these reasons, this variant has been classified as Pathogenic.

Blueprint Genetics
Classification: Likely pathogenic for ERCC2-related disorders. Last evaluated: 2024-11-25. Review status: criteria provided, single submitter. Criteria: ACMG Guidelines, 2015. Collection method: clinical testing. Allele origin: germline. Affected: yes. Observed: 5 variant alleles.

Women's Health and Genetics/Laboratory Corporation of America, LabCorp
Classification: Likely pathogenic for Xeroderma pigmentosum. Last evaluated: 2024-10-14. Review status: criteria provided, single submitter. Criteria: LabCorp Variant Classification Summary - May 2015. Collection method: clinical testing. Allele origin: germline.
Comment: Variant summary: ERCC2 c.816-2A>G is located in a canonical splice-site and is predicted to affect mRNA splicing resulting in a significantly altered protein due to either exon skipping, shortening, or inclusion of intronic material. Variants that disrupt the consensus splice site are a relatively common cause of aberrant splicing and loss of ERCC2 function. Several computational tools predict a significant impact on normal splicing: Four predict the variant abolishes a 3' acceptor site. However, these predictions have yet to be confirmed by functional studies. The variant allele was found at a frequency of 1.3e-05 in 239048 control chromosomes. c.816-2A>G has been reported in the literature in individuals affected with Xeroderma Pigmentosum (Fassihi_2016). To our knowledge, no experimental evidence demonstrating an impact on protein function has been reported. The following publication have been ascertained in the context of this evaluation (PMID: 26884178). ClinVar contains an entry for this variant (Variation ID: 631814). Based on the evidence outlined above, the variant was classified as likely pathogenic.

Baylor Genetics
Classification: Pathogenic for Cerebrooculofacioskeletal syndrome 2. Last evaluated: 2023-11-23. Review status: criteria provided, single submitter. Criteria: ACMG Guidelines, 2015. Collection method: clinical testing. Allele origin: unknown.

Illumina Laboratory Services, Illumina
Classification: Likely pathogenic for Xeroderma pigmentosum, group D. Last evaluated: 2018-10-31. Review status: criteria provided, single submitter. Criteria: ICSL Variant Classification Criteria 09 May 2019. Collection method: clinical testing. Allele origin: germline.
Comment: The ERCC2 c.816-2A>G variant occurs in a canonical splice site (acceptor) and is therefore predicted to disrupt or distort the normal gene product. This variant has been reported in a compound heterozygous state with a well-reported missense variant in two Caucasian individuals with xeroderma pigmentosum (Fassihi et al. 2016). The c.816-2A>G variant is reported at a frequency of 0.000013 in the Total population of the Genome Aggregation Database. Based on the available evidence and the potential impact of splice acceptor variants, the c.816-2A>G variant is classified as likely pathogenic for xeroderma pigmentosum. This variant was observed by ICSL as part of a predisposition screen in an ostensibly healthy population.

Literature cited by the submitters: PubMed 16199547 (cited by Labcorp Genetics (formerly Invitae), Labcorp); PubMed 9238033 (cited by Labcorp Genetics (formerly Invitae), Labcorp); PubMed 11335038 (cited by Labcorp Genetics (formerly Invitae), Labcorp); PubMed 19085937 (cited by Labcorp Genetics (formerly Invitae), Labcorp); PubMed 19934020 (cited by Labcorp Genetics (formerly Invitae), Labcorp); PubMed 26884178 (cited by 3 submitters).

NM_000400.4(ERCC2):c.816-2A>G

Gene: ERCC2 (ERCC excision repair 2, TFIIH core complex helicase subunit; minus strand). Cytogenetic location: 19q13.32.
Variant type: single nucleotide variant.
Coding change: c.816-2A>G on transcript NM_000400.4 (MANE Select); the canonical splice acceptor site of the intron before coding-DNA position 816, A replaced by G.
Molecular consequence: splice acceptor variant.
Genome position (GRCh38, 1-based): chr19:45,364,121, T>C on the plus strand (A>G on the coding strand, the complement: ERCC2 is on the minus strand). VCF-style: chr19-45364121-T-C. GRCh37 (hg19) VCF-style: chr19-45867379-T-C.
Other names: c.744-2A>G (NM_001130867.2).
Identifiers: ClinVar variation 631814 (VCV000631814.11), dbSNP rs746795177, ClinGen allele CA9513603.
Genomic context (GRCh38, chr19:45,364,121, plus strand): 5'-GCCCCTCCACCAGACGCCGGTACTCGTCCCGCAGGCGCTGCTCGTCTGTCTCTTTGATCC[T>C]GCGGAGAGATGAGCTGGGGCTGGGAGGGGGCTGGCAACCCTGGGGACAAGTCAGACAGGG-3'